The following is an entry in ClinVar:

ClinVar aggregate classification (germline): Uncertain significance (1 of 4 stars; one submission).

Conditions:
Ullrich congenital muscular dystrophy 2 (UCMD2). Identifiers: Orphanet 75840, MedGen C4225314, MONDO:0014654, OMIM 616470.
Bethlem myopathy 2 (BTHLM2). Identifiers: Orphanet 536516, Orphanet 610, MedGen C4225313, MONDO:0034022, OMIM 616471.

gnomAD v4.1: 1 of 1,613,990 alleles (0.000062%); highest among the groups gnomAD compares: Non-Finnish European, 0.000085%; no homozygotes.

Submission:

Labcorp Genetics (formerly Invitae), Labcorp
Classification: Uncertain significance for Bethlem myopathy 2; Ullrich congenital muscular dystrophy 2. Last evaluated: 2024-03-07. Review status: criteria provided, single submitter. Criteria: Invitae Variant Classification Sherloc (09022015). Collection method: clinical testing. Allele origin: germline.
Comment: This sequence change replaces serine, which is neutral and polar, with asparagine, which is neutral and polar, at codon 2419 of the COL12A1 protein (p.Ser2419Asn). This variant is not present in population databases (gnomAD no frequency). This variant has not been reported in the literature in individuals affected with COL12A1-related conditions. Advanced modeling of protein sequence and biophysical properties (such as structural, functional, and spatial information, amino acid conservation, physicochemical variation, residue mobility, and thermodynamic stability) performed at Invitae indicates that this missense variant is not expected to disrupt COL12A1 protein function with a negative predictive value of 80%. In summary, the available evidence is currently insufficient to determine the role of this variant in disease. Therefore, it has been classified as a Variant of Uncertain Significance.

NM_004370.6(COL12A1):c.7256G>A (p.Ser2419Asn)

Genes: COL12A1 (collagen type XII alpha 1 chain; minus strand), LOC126859712 (MED14-independent group 3 enhancer GRCh37_chr6:75828643-75829842; plus strand). Cytogenetic location: 6q13.
Variant type: single nucleotide variant.
Coding change: c.7256G>A on transcript NM_004370.6 (MANE Select); coding-DNA position 7256, G replaced by A.
Protein change: p.Ser2419Asn; replaces serine 2419 with asparagine.
Molecular consequence: missense variant.
Genome position (GRCh38, 1-based): chr6:75,119,141, C>T on the plus strand (G>A on the coding strand, the complement: COL12A1 is on the minus strand). VCF-style: chr6-75119141-C-T. GRCh37 (hg19) VCF-style: chr6-75828857-C-T.
Other names: c.7256G>A, p.Ser2419Asn (NM_001424113.1); c.7235G>A, p.Ser2412Asn (NM_001424114.1); c.6983G>A, p.Ser2328Asn (NM_001424115.1); c.3764G>A, p.Ser1255Asn (NM_001424116.1, NM_080645.3); short protein forms S1255N, S2328N, S2412N, S2419N.
Identifiers: ClinVar variation 3754920 (VCV003754920.2).